The following is an entry in ClinVar:

ClinVar aggregate classification (germline): Pathogenic (1 of 4 stars; one submission).

Conditions:
Ehlers-Danlos syndrome, classic type, 1 (EDSCL1). Also called: EHLERS-DANLOS SYNDROME, GRAVIS TYPE; EHLERS-DANLOS SYNDROME, SEVERE CLASSIC TYPE; Ehlers-Danlos syndrome, type 1; Ehlers-Danlos Syndrome, Classic Type, COL5A1-Related; EDS I. Identifiers: MedGen C0268335, MONDO:0019567, OMIM 130000.

Submission:

Labcorp Genetics (formerly Invitae), Labcorp
Classification: Pathogenic for Ehlers-Danlos syndrome, classic type, 1. Last evaluated: 2021-10-22. Review status: criteria provided, single submitter. Criteria: Invitae Variant Classification Sherloc (09022015). Collection method: clinical testing. Allele origin: germline.
Comment: This sequence change replaces alanine with proline at codon 37 of the COL5A1 protein (p.Ala37Pro). The alanine residue is moderately conserved and there is a small physicochemical difference between alanine and proline. This variant also falls at the last nucleotide of exon 1, which is part of the consensus splice site for this exon. The frequency data for this variant in the population databases is considered unreliable, as metrics indicate insufficient coverage at this position in the ExAC database. For these reasons, this variant has been classified as Pathogenic. Variants that disrupt the consensus splice site are a relatively common cause of aberrant splicing (PMID: 17576681, 9536098). Algorithms developed to predict the effect of sequence changes on RNA splicing suggest that this variant may disrupt the consensus splice site. Algorithms developed to predict the effect of missense changes on protein structure and function are either unavailable or do not agree on the potential impact of this missense change (SIFT: "Deleterious"; PolyPhen-2: "Probably Damaging"; Align-GVGD: "Class C0"). This missense change has been observed in individual(s) with clinical features of COL5A1-related conditions (Invitae). In at least one individual the variant was observed to be de novo.

Literature cited by the submitters: PubMed 17576681; PubMed 9536098.

NM_000093.5(COL5A1):c.109G>C (p.Ala37Pro)

Gene: COL5A1 (collagen type V alpha 1 chain; plus strand). Cytogenetic location: 9q34.3.
Variant type: single nucleotide variant.
Coding change: c.109G>C on transcript NM_000093.5 (MANE Select); coding-DNA position 109, G replaced by C.
Protein change: p.Ala37Pro; replaces alanine 37 with proline.
Molecular consequence: missense variant.
Genome position (GRCh38, 1-based): chr9:134,642,296, G>C. VCF-style: chr9-134642296-G-C. GRCh37 (hg19) VCF-style: chr9-137534142-G-C.
Other names: c.109G>C, p.Ala37Pro (NM_001278074.1); short protein forms A37P.
Identifiers: ClinVar variation 1454770 (VCV001454770.6), dbSNP rs2132455136, ClinGen allele CA375444128.